The following is an entry in ClinVar:

ClinVar aggregate classification (germline): Conflicting classifications of pathogenicity. Review status: criteria provided, conflicting classifications (1 of 4 stars). 3 submissions from 3 submitters: Uncertain significance (2); Likely benign (1). Last evaluated 2025-06-23.

Conditions:
BAP1-related tumor predisposition syndrome (TPDS1). Also called: BAP1 tumor predisposition syndrome; Tumor susceptibility linked to germline BAP1 mutations; COMMON Syndrome; TUMOR PREDISPOSITION SYNDROME 1. Identifiers: Orphanet 289539, MedGen C3280492, MONDO:0013692, OMIM 614327.
Hereditary cancer-predisposing syndrome. Also called: Neoplastic Syndromes, Hereditary; Tumor predisposition; Hereditary neoplastic syndrome; Hereditary Cancer Syndrome. Identifiers: Orphanet 140162, MedGen C0027672, MeSH D009386, MONDO:0015356.

Submissions (3):

Labcorp Genetics (formerly Invitae), Labcorp
Classification: Uncertain significance for BAP1-related tumor predisposition syndrome. Last evaluated: 2025-06-23. Review status: criteria provided, single submitter. Criteria: Invitae Variant Classification Sherloc (09022015). Collection method: clinical testing. Allele origin: germline.
Comment: This sequence change replaces threonine, which is neutral and polar, with proline, which is neutral and non-polar, at codon 613 of the BAP1 protein (p.Thr613Pro). This variant is not present in population databases (gnomAD no frequency). This variant has not been reported in the literature in individuals affected with BAP1-related conditions. ClinVar contains an entry for this variant (Variation ID: 663847). Invitae Evidence Modeling of protein sequence and biophysical properties (such as structural, functional, and spatial information, amino acid conservation, physicochemical variation, residue mobility, and thermodynamic stability) indicates that this missense variant is not expected to disrupt BAP1 protein function with a negative predictive value of 80%. In summary, the available evidence is currently insufficient to determine the role of this variant in disease. Therefore, it has been classified as a Variant of Uncertain Significance.

Ambry Genetics
Classification: Likely benign for Hereditary cancer-predisposing syndrome. Last evaluated: 2024-11-28. Review status: criteria provided, single submitter. Criteria: Ambry Variant Classification Scheme 2023. Collection method: clinical testing. Allele origin: germline.

Color Diagnostics, LLC DBA Color Health
Classification: Uncertain significance for Hereditary cancer-predisposing syndrome. Last evaluated: 2023-12-05. Review status: criteria provided, single submitter. Criteria: ACMG Guidelines, 2015. Collection method: clinical testing. Allele origin: germline.
Comment: This missense variant replaces threonine with proline at codon 613 of the BAP1 protein. Computational prediction suggests that this variant may not impact protein structure and function (internally defined REVEL score threshold <= 0.5, PMID: 27666373). To our knowledge, functional studies have not been reported for this variant. This variant has not been reported in individuals affected with BAP1-related disorders in the literature. This variant has not been identified in the general population by the Genome Aggregation Database (gnomAD). The available evidence is insufficient to determine the role of this variant in disease conclusively. Therefore, this variant is classified as a Variant of Uncertain Significance.

NM_004656.4(BAP1):c.1837A>C (p.Thr613Pro)

Gene: BAP1 (BRCA1 associated deubiquitinase 1; minus strand). Cytogenetic location: 3p21.1.
Variant type: single nucleotide variant.
Coding change: c.1837A>C on transcript NM_004656.4 (MANE Select); coding-DNA position 1837, A replaced by C.
Protein change: p.Thr613Pro; replaces threonine 613 with proline.
Molecular consequence: missense variant.
Genome position (GRCh38, 1-based): chr3:52,403,191, T>G on the plus strand (A>C on the coding strand, the complement: BAP1 is on the minus strand). VCF-style: chr3-52403191-T-G. GRCh37 (hg19) VCF-style: chr3-52437207-T-G.
Other names: c.1837A>C (NM_004656.2); short protein forms T613P.
Identifiers: ClinVar variation 663847 (VCV000663847.11), dbSNP rs749728488, ClinGen allele CA353098273.